The following is an entry in ClinVar:

NM_000051.4(ATM):c.7620C>A (p.Val2540=)

Genes: ATM (ATM serine/threonine kinase; plus strand), C11orf65 (chromosome 11 open reading frame 65; minus strand). Cytogenetic location: 11q22.3.
Variant type: single nucleotide variant.
Coding change: c.7620C>A on transcript NM_000051.4 (MANE Select); coding-DNA position 7620, C replaced by A.
Protein change: p.Val2540=; no amino-acid change (valine 2540 retained).
Molecular consequence: synonymous variant. On other transcripts: non-coding transcript variant (1), intron variant (2).
Genome position (GRCh38, 1-based): chr11:108,331,548, C>A. VCF-style: chr11-108331548-C-A. GRCh37 (hg19) VCF-style: chr11-108202275-C-A.
Other names: c.7620C>A, p.Val2540= (NM_001351834.2); c.641-22477G>T (NM_001330368.2); c.*38+3672G>T (NM_001351110.2).
Identifiers: ClinVar variation 215594 (VCV000215594.39), dbSNP rs863224298, ClinGen allele CA338264.

ClinVar aggregate classification (germline): Benign/Likely benign. Review status: criteria provided, multiple submitters, no conflicts (2 of 4 stars). 8 submissions from 8 submitters: Benign (2); Likely benign (6). Last evaluated 2025-10-10.

Conditions:
Hereditary cancer-predisposing syndrome. Also called: Neoplastic Syndromes, Hereditary; Hereditary neoplastic syndrome; Tumor predisposition; Hereditary Cancer Syndrome. Identifiers: Orphanet 140162, MedGen C0027672, MeSH D009386, MONDO:0015356.
Familial cancer of breast. Also called: hereditary breast carcinoma; Hereditary breast cancer; BREAST CANCER, FAMILIAL. Identifiers: Orphanet 227535, MedGen C0346153, MONDO:0016419, OMIM 114480. Disease mechanism: loss of function.
Ataxia-telangiectasia syndrome (AT). Also called: Ataxia telangiectasia (A-T); Cerebello-oculocutaneous telangiectasia; Immunodeficiency with ataxia telangiectasia; LOUIS-BAR SYNDROME; AT, COMPLEMENTATION GROUP C; ATAXIA-TELANGIECTASIA, FRESNO VARIANT. Identifiers: Orphanet 100, MedGen C0004135, MONDO:0008840, OMIM 208900.

Allele frequency attached by ClinVar (database versions not stated): gnomAD exomes 0.00001.
gnomAD v4.1: 10 of 1,610,882 alleles (0.00062%); highest among the groups gnomAD compares: Non-Finnish European, 0.00076%; no homozygotes.

Submissions (8):

Labcorp Genetics (formerly Invitae), Labcorp
Classification: Likely benign for Ataxia-telangiectasia syndrome. Last evaluated: 2025-10-10. Review status: criteria provided, single submitter. Criteria: Invitae Variant Classification Sherloc (09022015). Collection method: clinical testing. Allele origin: germline.

Center for Genomic Medicine, Rigshospitalet, Copenhagen University Hospital
Classification: Likely benign. Last evaluated: 2025-03-04. Review status: criteria provided, single submitter. Criteria: ACMG Guidelines, 2015. Collection method: clinical testing. Allele origin: germline.

Women's Health and Genetics/Laboratory Corporation of America, LabCorp
Classification: Likely benign. Last evaluated: 2025-02-06. Review status: criteria provided, single submitter. Criteria: LabCorp Variant Classification Summary - May 2015. Collection method: clinical testing. Allele origin: germline.

CeGaT Center for Human Genetics Tuebingen
Classification: Likely benign. Last evaluated: 2024-08-01. Review status: criteria provided, single submitter. Criteria: CeGaT Center For Human Genetics Tuebingen Variant Classification Criteria Version 2. Collection method: clinical testing. Allele origin: germline. Affected: yes. Observed: 1 variant allele.
Comment: ATM: BP4, BP7

Myriad Genetics, Inc.
Classification: Benign for Familial cancer of breast. Last evaluated: 2024-06-14. Review status: criteria provided, single submitter. Criteria: Myriad Autosomal Dominant, Autosomal Recessive and X-Linked Classification Criteria (2023). Collection method: clinical testing. Allele origin: unknown.
Comment: This variant is considered benign. This variant is a silent/synonymous amino acid change and it is not expected to impact splicing.

Color Diagnostics, LLC DBA Color Health
Classification: Likely benign for Hereditary cancer-predisposing syndrome. Last evaluated: 2019-04-30. Review status: criteria provided, single submitter. Criteria: ACMG Guidelines, 2015. Collection method: clinical testing. Allele origin: germline.

GeneDx
Classification: Benign. Last evaluated: 2015-07-13. Review status: criteria provided, single submitter. Criteria: GeneDx Variant Classification Process June 2021. Collection method: clinical testing. Allele origin: germline. Affected: yes.

Ambry Genetics
Classification: Likely benign for Hereditary cancer-predisposing syndrome. Last evaluated: 2015-06-08. Review status: criteria provided, single submitter. Criteria: Ambry Variant Classification Scheme 2023. Collection method: clinical testing. Allele origin: germline.

Literature cited by the submitters: PubMed 16167060 (cited by Center for Genomic Medicine, Rigshospitalet, Copenhagen University Hospital).